The following is an entry in ClinVar:

NM_001009944.3(PKD1):c.4138_4164del (p.Val1380_Glu1388del)

Gene: PKD1 (polycystin 1, transient receptor potential channel interacting; minus strand). Cytogenetic location: 16p13.3.
Variant type: Deletion.
Coding change: c.4138_4164del on transcript NM_001009944.3 (MANE Select); coding-DNA positions 4138 to 4164, 27 bases deleted (GTGGGCAACGTCACCCTGCAGCCAGAG).
Protein change: p.Val1380_Glu1388del.
Genome position (GRCh38, 1-based): chr16:2,111,003-2,111,029, CTCTGGCTGCAGGGTGACGTTGCCCAC deleted on the plus strand (GTGGGCAACGTCACCCTGCAGCCAGAG on the coding strand, the reverse complement: PKD1 is on the minus strand); deleting any 27 consecutive bases within chr16:2,111,003-2,111,037 gives the same sequence; the c. name uses the placement nearest the transcript's 3' end. VCF-style (leftmost placement, unchanged base first): chr16-2111002-TCTCTGGCTGCAGGGTGACGTTGCCCAC-T. GRCh37 (hg19) VCF-style: chr16-2161003-TCTCTGGCTGCAGGGTGACGTTGCCCAC-T.
Other names: c.4138_4164del, p.Val1380_Glu1388del (NM_000296.4).
Identifiers: ClinVar variation 3066257 (VCV003066257.1), dbSNP rs2544824510, ClinGen allele CA2740098072.

ClinVar aggregate classification (germline): Uncertain significance (1 of 4 stars; one submission).

Conditions:
Polycystic kidney disease, adult type (PKD1). Also called: Polycystic Kidney, Autosomal Dominant; POLYCYSTIC KIDNEY DISEASE 1 WITH OR WITHOUT POLYCYSTIC LIVER DISEASE; Polycystic Kidney Disease 1, Autosomal Dominant; Polycystic kidney disease 1; Polycystic kidney disease 1, severe; POLYCYSTIC KIDNEY DISEASE, ADULT, TYPE I. Identifiers: MedGen C3149841, MONDO:0008263, OMIM 173900.

Submission:

MVZ Medizinische Genetik Mainz
Classification: Uncertain significance for Polycystic kidney disease, adult type. Last evaluated: 2024-03-15. Review status: criteria provided, single submitter. Criteria: UK Practice Guidelines For Variant Classification V4 01 2020. Collection method: clinical testing. Allele origin: germline. Inheritance: Autosomal dominant inheritance. Affected: yes. Observed: 1 variant allele.
Comment: ACMG Criteria: PM4,PM2_SUP,PP4